The following is an entry in ClinVar:

ClinVar aggregate classification (germline): Uncertain significance (1 of 4 stars; one submission).

Conditions:
Hereditary spastic paraplegia 11. Also called: SPASTIC PARAPLEGIA, AUTOSOMAL RECESSIVE, COMPLICATED, WITH THIN CORPUS CALLOSUM; SPASTIC PARAPLEGIA, AUTOSOMAL RECESSIVE, WITH MENTAL IMPAIRMENT AND THIN CORPUS CALLOSUM; Spastic Paraplegia 11; Nakamura Osame syndrome; Autosomal recessive hereditary spastic paraplegia, mental impairment, and thin corpus callosum; Spastic paraplegia, mental retardation and thin corpus callosum. Identifiers: Orphanet 2822, MedGen C1858479, MONDO:0011445, OMIM 604360.

Allele frequency attached by ClinVar (database versions not stated): gnomAD exomes 0.00001.

Submission:

Labcorp Genetics (formerly Invitae), Labcorp
Classification: Uncertain significance for Hereditary spastic paraplegia 11. Last evaluated: 2024-05-15. Review status: criteria provided, single submitter. Criteria: Invitae Variant Classification Sherloc (09022015). Collection method: clinical testing. Allele origin: germline.
Comment: This sequence change replaces aspartic acid, which is acidic and polar, with valine, which is neutral and non-polar, at codon 1049 of the SPG11 protein (p.Asp1049Val). This variant is not present in population databases (gnomAD no frequency). This variant has not been reported in the literature in individuals affected with SPG11-related conditions. ClinVar contains an entry for this variant (Variation ID: 1362119). An algorithm developed to predict the effect of missense changes on protein structure and function (PolyPhen-2) suggests that this variant is likely to be disruptive. Algorithms developed to predict the effect of sequence changes on RNA splicing suggest that this variant may disrupt the consensus splice site. In summary, the available evidence is currently insufficient to determine the role of this variant in disease. Therefore, it has been classified as a Variant of Uncertain Significance.

NM_025137.4(SPG11):c.3146A>T (p.Asp1049Val)

Gene: SPG11 (SPG11 vesicle trafficking associated, spatacsin; minus strand). Cytogenetic location: 15q21.1.
Variant type: single nucleotide variant.
Coding change: c.3146A>T on transcript NM_025137.4 (MANE Select); coding-DNA position 3146, A replaced by T.
Protein change: p.Asp1049Val; replaces aspartic acid 1049 with valine.
Molecular consequence: missense variant.
Genome position (GRCh38, 1-based): chr15:44,610,985, T>A on the plus strand (A>T on the coding strand, the complement: SPG11 is on the minus strand). VCF-style: chr15-44610985-T-A. GRCh37 (hg19) VCF-style: chr15-44903183-T-A.
Other names: c.3146A>T, p.Asp1049Val (NM_001160227.2); short protein forms D1049V.
Identifiers: ClinVar variation 1362119 (VCV001362119.7), dbSNP rs2083444672, ClinGen allele CA392227213.
Genomic context (GRCh38, chr15:44,610,985, plus strand): 5'-TGATTGGTGGGAATCAAAATCTGAGCATTTGCAAGGCTAGCCTGGAAGATCAGTTTGGGA[T>A]CTGGAAAATAAAAGACAGTGTTTTTCTCCTTAAGAGGGATAAATACTAAATTAAGGATTA-3'
Protein context (NP_079413.3, residues 1039-1059): QCRQVASNLT[Asp1049Val]PKLIFQASLA